The following is an entry in ClinVar:

NM_001378120.1(MBD5):c.2472A>G (p.Ile824Met)

Gene: MBD5 (methyl-CpG binding domain protein 5; plus strand). Cytogenetic location: 2q23.1.
Variant type: single nucleotide variant.
Coding change: c.2472A>G on transcript NM_001378120.1 (MANE Select); coding-DNA position 2472, A replaced by G.
Protein change: p.Ile824Met; replaces isoleucine 824 with methionine.
Molecular consequence: missense variant.
Genome position (GRCh38, 1-based): chr2:148,470,415, A>G. VCF-style: chr2-148470415-A-G. GRCh37 (hg19) VCF-style: chr2-149227984-A-G.
Other names: c.2472A>G, p.Ile824Met (NM_018328.5); short protein forms I824M.
Identifiers: ClinVar variation 1491258 (VCV001491258.6), dbSNP rs1574462288, ClinGen allele CA348721933.

ClinVar aggregate classification (germline): Uncertain significance (1 of 4 stars; one submission).

Conditions:
Intellectual developmental disorder, autosomal dominant 1. Also called: Intellectual disability, autosomal dominant 1; MBD5 Haploinsufficiency. Identifiers: Orphanet 228402, MedGen C1969562, MONDO:0007974, OMIM 156200.

Submission:

Labcorp Genetics (formerly Invitae), Labcorp
Classification: Uncertain significance for Intellectual developmental disorder, autosomal dominant 1. Last evaluated: 2021-09-20. Review status: criteria provided, single submitter. Criteria: Invitae Variant Classification Sherloc (09022015). Collection method: clinical testing. Allele origin: germline.
Comment: This sequence change replaces isoleucine with methionine at codon 824 of the MBD5 protein (p.Ile824Met). The isoleucine residue is highly conserved and there is a small physicochemical difference between isoleucine and methionine. This variant is not present in population databases (ExAC no frequency). This variant has not been reported in the literature in individuals affected with MBD5-related conditions. Algorithms developed to predict the effect of missense changes on protein structure and function are either unavailable or do not agree on the potential impact of this missense change (SIFT: "Deleterious"; PolyPhen-2: "Possibly Damaging"; Align-GVGD: "Class C0"). In summary, the available evidence is currently insufficient to determine the role of this variant in disease. Therefore, it has been classified as a Variant of Uncertain Significance.